The following is an entry in ClinVar:

NM_133261.3(GIPC3):c.121_122del (p.Thr41fs)

Gene: GIPC3 (GIPC PDZ domain containing family member 3; plus strand). Cytogenetic location: 19p13.3.
Variant type: Deletion.
Coding change: c.121_122del on transcript NM_133261.3 (MANE Select); coding-DNA positions 121 to 122, 2 bases deleted (AC; older notation c.121_122delAC).
Protein change: p.Thr41fs; shifts the reading frame from threonine 41.
Molecular consequence: frameshift variant.
Genome position (GRCh38, 1-based): chr19:3,585,718-3,585,719, AC deleted; deleting any 2 consecutive bases within chr19:3,585,717-3,585,719 gives the same sequence; the c. name uses the placement nearest the transcript's 3' end. VCF-style (leftmost placement, unchanged base first): chr19-3585716-GCA-G. GRCh37 (hg19) VCF-style: chr19-3585714-GCA-G.
Other names: short protein forms T41fs.
Identifiers: ClinVar variation 1452886 (VCV001452886.6), dbSNP rs2145268409, ClinGen allele CA2573155850.

ClinVar aggregate classification (germline): Pathogenic (1 of 4 stars; one submission).

Submission:

Labcorp Genetics (formerly Invitae), Labcorp
Classification: Pathogenic. Last evaluated: 2022-02-10. Review status: criteria provided, single submitter. Criteria: Invitae Variant Classification Sherloc (09022015). Collection method: clinical testing. Allele origin: germline.
Comment: For these reasons, this variant has been classified as Pathogenic. This sequence change creates a premature translational stop signal (p.Thr41Alafs*76) in the GIPC3 gene. It is expected to result in an absent or disrupted protein product. Loss-of-function variants in GIPC3 are known to be pathogenic (PMID: 21660509, 25296581). This variant is not present in population databases (gnomAD no frequency). This variant has not been reported in the literature in individuals affected with GIPC3-related conditions.

Literature cited by the submitters: PubMed 21660509; PubMed 25296581.